The following is an entry in ClinVar:

NM_177438.3(DICER1):c.2098G>A (p.Glu700Lys)

Gene: DICER1 (dicer 1, ribonuclease III; minus strand). Cytogenetic location: 14q32.13.
Variant type: single nucleotide variant.
Coding change: c.2098G>A on transcript NM_177438.3 (MANE Select); coding-DNA position 2098, G replaced by A.
Protein change: p.Glu700Lys; replaces glutamic acid 700 with lysine.
Molecular consequence: missense variant. On other transcripts: non-coding transcript variant (6).
Genome position (GRCh38, 1-based): chr14:95,112,190, C>T on the plus strand (G>A on the coding strand, the complement: DICER1 is on the minus strand). VCF-style: chr14-95112190-C-T. GRCh37 (hg19) VCF-style: chr14-95578527-C-T.
Other names: c.2098G>A, p.Glu700Lys (NM_001195573.1, NM_001271282.3, NM_001291628.2 and 13 more transcripts); c.1816G>A, p.Glu606Lys (NM_001395686.1); c.1693G>A, p.Glu565Lys (NM_001395687.1, NM_001395688.1, NM_001395689.1 and 3 more transcripts); c.1531G>A, p.Glu511Lys (NM_001395691.1); c.415G>A, p.Glu139Lys (NM_001395697.1); short protein forms E511K, E139K, E565K, E606K, E700K.
Identifiers: ClinVar variation 1785829 (VCV001785829.8), dbSNP rs1892030482, ClinGen allele CA390883027.

ClinVar aggregate classification (germline): Uncertain significance. Review status: criteria provided, multiple submitters, no conflicts (2 of 4 stars). 3 submissions from 3 submitters: Uncertain significance (3). Last evaluated 2025-11-25.

Conditions:
DICER1-related tumor predisposition. Also called: DICER1-related pleuropulmonary blastoma cancer predisposition syndrome; DICER1 syndrome. Identifiers: Orphanet 284343, MedGen C3839822, MONDO:0100216.
Hereditary cancer-predisposing syndrome. Also called: Tumor predisposition; Neoplastic Syndromes, Hereditary; Hereditary Cancer Syndrome; Hereditary neoplastic syndrome. Identifiers: Orphanet 140162, MedGen C0027672, MeSH D009386, MONDO:0015356.

Allele frequency attached by ClinVar (database versions not stated): TOPMed 0.00001.

Submissions (3):

Ambry Genetics
Classification: Uncertain significance for Hereditary cancer-predisposing syndrome. Last evaluated: 2025-11-25. Review status: criteria provided, single submitter. Criteria: Ambry Variant Classification Scheme 2023. Collection method: clinical testing. Allele origin: germline.
Comment: The p.E700K variant (also known as c.2098G>A), located in coding exon 12 of the DICER1 gene, results from a G to A substitution at nucleotide position 2098. The glutamic acid at codon 700 is replaced by lysine, an amino acid with similar properties. This amino acid position is conserved. In addition, this alteration is predicted to be tolerated by in silico analysis. Based on the available evidence, the clinical significance of this variant remains unclear.

Quest Diagnostics Nichols Institute San Juan Capistrano
Classification: Uncertain significance. Last evaluated: 2025-02-17. Review status: criteria provided, single submitter. Criteria: Quest Diagnostics criteria. Collection method: clinical testing. Allele origin: unknown.
Comment: The DICER1 c.2098G>A (p.Glu700Lys) variant has not been reported in individuals with DICER1-related conditions in the published literature. It also has not been reported in large, multi-ethnic general populations (Genome Aggregation Database). Analysis of this variant using bioinformatics tools for the prediction of the effect of amino acid changes on protein structure and function yielded predictions that this variant is benign. Additional analysis using software algorithms for the prediction of the effect of nucleotide changes on DICER1 mRNA splicing yielded predictions that this variant may result in the gain of a cryptic splice site without affecting the natural splice sites. Based on the available information, we are unable to determine the clinical significance of this variant.

Labcorp Genetics (formerly Invitae), Labcorp
Classification: Uncertain significance for DICER1-related tumor predisposition. Last evaluated: 2024-09-03. Review status: criteria provided, single submitter. Criteria: Invitae Variant Classification Sherloc (09022015). Collection method: clinical testing. Allele origin: germline.
Comment: This sequence change replaces glutamic acid, which is acidic and polar, with lysine, which is basic and polar, at codon 700 of the DICER1 protein (p.Glu700Lys). This variant is not present in population databases (gnomAD no frequency). This variant has not been reported in the literature in individuals affected with DICER1-related conditions. ClinVar contains an entry for this variant (Variation ID: 1785829). Invitae Evidence Modeling of protein sequence and biophysical properties (such as structural, functional, and spatial information, amino acid conservation, physicochemical variation, residue mobility, and thermodynamic stability) indicates that this missense variant is not expected to disrupt DICER1 protein function with a negative predictive value of 80%. In summary, the available evidence is currently insufficient to determine the role of this variant in disease. Therefore, it has been classified as a Variant of Uncertain Significance.